The following is an entry in ClinVar:

ClinVar aggregate classification (germline): Likely benign. Review status: criteria provided, multiple submitters, no conflicts (2 of 4 stars). 2 submissions from 2 submitters: Likely benign (2). Last evaluated 2024-03-26.

Allele frequency attached by ClinVar (database versions not stated): TOPMed below 0.00001; gnomAD 0.00001; gnomAD exomes 0.00001; ExAC 0.00005; ESP Exome Variant Server 0.00008.
gnomAD v4.1: 20 of 1,613,900 alleles (0.0012%); highest among the groups gnomAD compares: South Asian, 0.0077%; no homozygotes.

Submissions (2):

Labcorp Genetics (formerly Invitae), Labcorp
Classification: Likely benign. Last evaluated: 2024-03-26. Review status: criteria provided, single submitter. Criteria: Invitae Variant Classification Sherloc (09022015). Collection method: clinical testing. Allele origin: germline.

CeGaT Center for Human Genetics Tuebingen
Classification: Likely benign. Last evaluated: 2024-03-01. Review status: criteria provided, single submitter. Criteria: CeGaT Center For Human Genetics Tuebingen Variant Classification Criteria Version 2. Collection method: clinical testing. Allele origin: germline. Affected: yes. Observed: 1 variant allele.
Comment: SBF1: BP4, BP7

NM_002972.4(SBF1):c.5508G>A (p.Ala1836=)

Gene: SBF1 (SET binding factor 1; minus strand). Cytogenetic location: 22q13.33.
Variant type: single nucleotide variant.
Coding change: c.5508G>A on transcript NM_002972.4 (MANE Select); coding-DNA position 5508, G replaced by A.
Protein change: p.Ala1836=; no amino-acid change (alanine 1836 retained).
Molecular consequence: synonymous variant.
Genome position (GRCh38, 1-based): chr22:50,447,397, C>T on the plus strand (G>A on the coding strand, the complement: SBF1 is on the minus strand). VCF-style: chr22-50447397-C-T. GRCh37 (hg19) VCF-style: chr22-50885826-C-T.
Other names: c.5433G>A, p.Ala1811= (NM_001365819.1); c.5511G>A, p.Ala1837= (NM_001410794.1); c.5430G>A, p.Ala1810= (NM_001410795.1); c.5508G>A, p.Ala1836= (NM_197971.1).
Identifiers: ClinVar variation 3067254 (VCV003067254.23), dbSNP rs370087082, ClinGen allele CA10315807.
Genomic context (GRCh38, chr22:50,447,397, plus strand): 5'-CTCGTCCACAGTCTTAGGGGCACCCATAGTGGGCGTGCCAGGTGCCACAGCCTCCACCTC[C>T]GCCAAGTCGATGACACCCTTGCACTCTGTGTCCACACGGTGGTCGTAGTAGCGCAGCTGG-3'
Protein context (NP_002963.2, residues 1826-1846): DTECKGVIDL[Ala1836=]EVEAVAPGTP